The following is an entry in ClinVar:

ClinVar aggregate classification (germline): Uncertain significance (1 of 4 stars; one submission).

Conditions:
Inborn genetic diseases. Identifiers: MedGen C0950123, MeSH D030342.

gnomAD v4.1: 1 of 1,614,178 alleles (0.000062%); highest among the groups gnomAD compares: Non-Finnish European, 0.000085%; no homozygotes.

Submission:

Ambry Genetics
Classification: Uncertain significance for Inborn genetic diseases. Last evaluated: 2025-07-12. Review status: criteria provided, single submitter. Criteria: Ambry Variant Classification Scheme 2023. Collection method: clinical testing. Allele origin: germline.
Comment: The p.D1372Y variant (also known as c.4114G>T), located in coding exon 41 of the FANCA gene, results from a G to T substitution at nucleotide position 4114. The aspartic acid at codon 1372 is replaced by tyrosine, an amino acid with highly dissimilar properties. This amino acid position is conserved. In addition, the in silico prediction for this alteration is inconclusive. Based on the available evidence, the clinical significance of this variant remains unclear.

NM_000135.4(FANCA):c.4114G>T (p.Asp1372Tyr)

Genes: ZNF276 (zinc finger protein 276; plus strand), FANCA (FA complementation group A; minus strand). Cytogenetic location: 16q24.3.
Variant type: single nucleotide variant.
Coding change: c.4114G>T on transcript NM_000135.4 (MANE Select); coding-DNA position 4114, G replaced by T.
Protein change: p.Asp1372Tyr; replaces aspartic acid 1372 with tyrosine.
Molecular consequence: missense variant. On other transcripts: 3 prime UTR variant (2), non-coding transcript variant (4).
Genome position (GRCh38, 1-based): chr16:89,739,186, C>A on the plus strand (G>T on the coding strand, the complement: FANCA is on the minus strand). VCF-style: chr16-89739186-C-A. GRCh37 (hg19) VCF-style: chr16-89805594-C-A.
Other names: c.4114G>T, p.Asp1372Tyr (NM_001286167.3); c.*940C>A (NM_001113525.2, NM_152287.4); short protein forms D1372Y.
Identifiers: ClinVar variation 4254191 (VCV004254191.1).